The following is an entry in ClinVar:

ClinVar aggregate classification (germline): not provided (0 of 4 stars; one submission).

Allele frequency attached by ClinVar (database versions not stated): gnomAD exomes 0.00002 and 0.00004; gnomAD 0.00006; 1000 Genomes Project 30x 0.00016; 1000 Genomes Project 0.00020; ExAC 0.00003; TOPMed 0.00006.
gnomAD v4.1: 44 of 1,613,386 alleles (0.0027%); highest among the groups gnomAD compares: African/African-American, 0.021%; no homozygotes.

Submission:

Human Evolutionary Genetics, Institut Pasteur
No classification provided. Review status: no classification provided. Collection method: not provided. Allele origin: germline.
ClinVar note: Converted during submission from untested to not provided.

NM_001433705.1(NLRP5):c.1264G>A (p.Val422Met)

Genes: NLRP5 (NLR family pyrin domain containing 5; plus strand), LOC126862935 (BRD4-independent group 4 enhancer GRCh37_chr19:56537936-56539135; plus strand). Cytogenetic location: 19q13.43.
Variant type: single nucleotide variant.
Coding change: c.1264G>A on transcript NM_001433705.1 (MANE Select); coding-DNA position 1264, G replaced by A.
Protein change: p.Val422Met; replaces valine 422 with methionine.
Molecular consequence: missense variant.
Genome position (GRCh38, 1-based): chr19:56,027,650, G>A. VCF-style: chr19-56027650-G-A. GRCh37 (hg19) VCF-style: chr19-56539016-G-A.
Other names: NM_153447.4:c.1417G>A; short protein forms V422M.
Identifiers: ClinVar variation 103281 (VCV000103281.2), dbSNP rs199475776, ClinGen allele CA230362.